The following is an entry in ClinVar:

ClinVar aggregate classification (germline): Conflicting classifications of pathogenicity. Review status: criteria provided, conflicting classifications (1 of 4 stars). 9 submissions from 9 submitters: Uncertain significance (2); Likely benign (2). 5 of the submissions do not count toward it. Last evaluated 2025-11-17.

Conditions:
Left ventricular noncompaction 8 (LVNC8). Identifiers: Orphanet 154, Orphanet 54260, MedGen C3809288, MONDO:0014152, OMIM 615373.

Allele frequency attached by ClinVar (database versions not stated): TOPMed 0.00010; gnomAD 0.00014; gnomAD exomes 0.00014; ExAC 0.00019.
gnomAD v4.1: 195 of 1,600,860 alleles (0.012%); highest among the groups gnomAD compares: Admixed American, 0.028%; 1 homozygote.

Submissions (9):

Labcorp Genetics (formerly Invitae), Labcorp
Classification: Uncertain significance for Left ventricular noncompaction 8. Last evaluated: 2025-11-17. Review status: criteria provided, single submitter. Criteria: Invitae Variant Classification Sherloc (09022015). Collection method: clinical testing. Allele origin: germline.
Comment: This sequence change replaces glycine, which is neutral and non-polar, with arginine, which is basic and polar, at codon 1136 of the PRDM16 protein (p.Gly1136Arg). This variant is present in population databases (rs775245244, gnomAD 0.02%). This variant has not been reported in the literature in individuals affected with PRDM16-related conditions. ClinVar contains an entry for this variant (Variation ID: 474429). An algorithm developed to predict the effect of missense changes on protein structure and function (PolyPhen-2) suggests that this variant is likely to be tolerated. In summary, the available evidence is currently insufficient to determine the role of this variant in disease. Therefore, it has been classified as a Variant of Uncertain Significance.

GeneDx
Classification: Uncertain significance. Last evaluated: 2025-04-18. Review status: criteria provided, single submitter. Criteria: GeneDx Variant Classification Process June 2021. Collection method: clinical testing. Allele origin: germline. Affected: yes.
Comment: Reported in association with HCM, however, these patients harbored additional cardiogenetic variants, and case-specific clinical data were not provided (PMID: 30847666); In silico analysis supports that this missense variant has a deleterious effect on protein structure/function; This variant is associated with the following publications: (PMID: 30847666)

Women's Health and Genetics/Laboratory Corporation of America, LabCorp
Classification: Likely benign. Last evaluated: 2025-03-17. Review status: criteria provided, single submitter. Criteria: LabCorp Variant Classification Summary - May 2015. Collection method: clinical testing. Allele origin: germline.

Blueprint Genetics
Classification: Likely benign. Last evaluated: 2024-03-05. Review status: criteria provided, single submitter. Criteria: ACMG Guidelines, 2015. Collection method: clinical testing. Allele origin: germline.

Clinical Genetics DNA and cytogenetics Diagnostics Lab, Erasmus MC, Erasmus Medical Center
Classification: Uncertain significance. Review status: no assertion criteria provided. Collection method: clinical testing. Allele origin: germline. Affected: yes. Study: VKGL Data-share Consensus. Not counted in ClinVar's aggregate classification.

Clinical Genetics, Academic Medical Center
Classification: Uncertain significance. Review status: no assertion criteria provided. Collection method: clinical testing. Allele origin: germline. Affected: yes. Study: VKGL Data-share Consensus. Not counted in ClinVar's aggregate classification.

Diagnostic Laboratory, Department of Genetics, University Medical Center Groningen
Classification: Uncertain significance. Review status: no assertion criteria provided. Collection method: clinical testing. Allele origin: germline. Affected: yes. Study: VKGL Data-share Consensus. Not counted in ClinVar's aggregate classification.

Genome Diagnostics Laboratory, University Medical Center Utrecht
Classification: Uncertain significance. Review status: no assertion criteria provided. Collection method: clinical testing. Allele origin: germline. Affected: yes. Study: VKGL Data-share Consensus. Not counted in ClinVar's aggregate classification.

Joint Genome Diagnostic Labs from Nijmegen and Maastricht, Radboudumc and MUMC+
Classification: Uncertain significance. Review status: no assertion criteria provided. Collection method: clinical testing. Allele origin: germline. Affected: yes. Study: VKGL Data-share Consensus. Not counted in ClinVar's aggregate classification.

NM_022114.4(PRDM16):c.3406G>A (p.Gly1136Arg)

Gene: PRDM16 (PR/SET domain 16; plus strand). Cytogenetic location: 1p36.32.
Variant type: single nucleotide variant.
Coding change: c.3406G>A on transcript NM_022114.4 (MANE Select); coding-DNA position 3406, G replaced by A.
Protein change: p.Gly1136Arg; replaces glycine 1136 with arginine.
Molecular consequence: missense variant.
Genome position (GRCh38, 1-based): chr1:3,430,993, G>A. VCF-style: chr1-3430993-G-A. GRCh37 (hg19) VCF-style: chr1-3347557-G-A.
Other names: c.3406G>A, p.Gly1136Arg (NM_199454.3); short protein forms G1136R.
Identifiers: ClinVar variation 474429 (VCV000474429.23), dbSNP rs775245244, ClinGen allele CA544860.